The following continues an entry in ClinVar:

NM_000059.4(BRCA2):c.8755-1G>A

Gene: BRCA2. ClinVar aggregate classification (germline): Pathogenic. Pathogenic (1).

Submissions 8 to 26 of 26:

Institute of Human Genetics, University of Leipzig Medical Center
Classification: Pathogenic for Breast-ovarian cancer, familial, susceptibility to, 1. Last evaluated: 2023-03-08. Review status: criteria provided, single submitter. Criteria: ACMG Guidelines, 2015. Collection method: clinical testing. Allele origin: unknown. Affected: yes. Not counted in ClinVar's aggregate classification.
Comment: _x000D_ Criteria applied: PVS1, PS3_MOD, PS4_MOD, PM2_SUP

Mayo Clinic Laboratories, Mayo Clinic
Classification: Pathogenic. Last evaluated: 2023-01-30. Review status: criteria provided, single submitter. Criteria: ACMG Guidelines, 2015. Collection method: clinical testing. Allele origin: germline. Observed: 1 variant allele. Not counted in ClinVar's aggregate classification.
Comment: PP5, PM2, PVS1

Centre for Mendelian Genomics, University Medical Centre Ljubljana
Classification: Pathogenic for Breast-ovarian cancer, familial, susceptibility to, 2. Last evaluated: 2022-12-09. Review status: criteria provided, single submitter. Criteria: ACMG Guidelines, 2015. Collection method: research. Allele origin: germline. Affected: no. Not counted in ClinVar's aggregate classification.
Comment: PVS1, PS3, PS4_STR, PM2_SUP, PP1

Department of Molecular Diagnostics, Institute of Oncology Ljubljana
Classification: Pathogenic for Breast-ovarian cancer, familial, susceptibility to, 1. Last evaluated: 2020-04-02. Review status: criteria provided, single submitter. Criteria: ACMG Guidelines, 2015. Collection method: clinical testing. Allele origin: germline. Affected: yes. Not counted in ClinVar's aggregate classification.

Mendelics
Classification: Likely pathogenic for Breast-ovarian cancer, familial, susceptibility to, 2. Last evaluated: 2019-05-28. Review status: criteria provided, single submitter. Criteria: Mendelics Assertion Criteria 2017. Collection method: clinical testing. Allele origin: unknown. Not counted in ClinVar's aggregate classification.

Human Genome Sequencing Center Clinical Lab, Baylor College of Medicine
Classification: Pathogenic for Familial breast-ovarian cancer 2. Last evaluated: 2019-02-05. Review status: criteria provided, single submitter. Criteria: ACMG Guidelines, 2015. Collection method: clinical testing. Allele origin: germline. Not counted in ClinVar's aggregate classification.
Comment: This c.8755-1G>A variant in the BRCA2 gene has been shown to alter mRNA splicing and is predicted to introduce a premature translation termination codon (PMID 18489799, 23451180, 25382762). This variant has been reported in multiple families affected with hereditary breast and ovarian cancer (PMID 18489799, 24156927) and has never been observed in general population databases. Therefore, the c.8755-1G>A variant is classified as pathogenic.

Women's Health and Genetics/Laboratory Corporation of America, LabCorp
Classification: Pathogenic for Hereditary breast and ovarian cancer syndrome. Last evaluated: 2017-09-19. Review status: criteria provided, single submitter. Criteria: LabCorp Variant Classification Summary - May 2015. Collection method: clinical testing. Allele origin: germline. Not counted in ClinVar's aggregate classification.
Comment: Variant summary: The BRCA2 c.8755-1G>A variant involves the alteration of a conserved intronic nucleotide and 3/5 splice prediction tools predict a significant impact on normal splicing. A functional study, Colombo_2013, shows the variant to produce two aberrant transcripts, skipping of exon 22 (resulting in p.Gly2919LeufsX3) and skipping of exon 22 + 51 bp at the 5' end of exon 23 (resulting in p.Gly2919LysfsX26). This variant is absent in 244786 control chromosomes (gnomAD). A publication, Tea_2014, reports the variant in 26 affected individuals from 13 families. In addition, multiple clinical diagnostic laboratories/reputable databases classified this variant as "Pathogenic." Taken together, this variant is classified as pathogenic.

GeneKor MSA
Classification: Likely pathogenic. Last evaluated: 2016-07-01. Review status: criteria provided, single submitter. Criteria: ACMG Guidelines, 2015. Collection method: clinical testing. Allele origin: germline. Not counted in ClinVar's aggregate classification.

Laboratory for Molecular Medicine, Mass General Brigham Personalized Medicine
Classification: Pathogenic for Hereditary breast ovarian cancer syndrome. Last evaluated: 2015-12-22. Review status: criteria provided, single submitter. Criteria: LMM Criteria. Collection method: clinical testing. Allele origin: germline. Inheritance: Autosomal dominant inheritance. Observed: 1 variant allele. Not counted in ClinVar's aggregate classification.
Comment: The c.8755-1G>A variant in BRCA2 has been reported in at least 10 individuals wi th BRCA2-associated cancers and segregated with disease in 3 affected relatives from 3 families (Wagner 1999, Machackova 2008, Breast Cancer Information Core da tabase). It was absent from large population st udies. This variant occurs in the invariant region (+/- 1,2) of the splice conse nsus sequence and in vitro studies indicate that this variant results in skippin g of exon 22, leading to a premature stop codon and an abnormal or absent protei n (Machackova 2008, Colombo 2013). Heterozygous loss of function of the BRCA2 ge ne is an established disease mechanism in hereditary breast and ovarian cancer ( HBOC). In summary, this variant meets our criteria to be classified as pathogeni c for HBOC in an autosomal dominant manner based upon the predicted impact to th e protein, segregation studies, and prevalence in affected individuals.

Consortium of Investigators of Modifiers of BRCA1/2 (CIMBA), c/o University of Cambridge
Classification: Pathogenic for Breast-ovarian cancer, familial, susceptibility to, 2. Last evaluated: 2015-10-02. Review status: criteria provided, single submitter. Criteria: CIMBA Mutation Classification guidelines May 2016. Collection method: clinical testing. Allele origin: germline. Not counted in ClinVar's aggregate classification.

CZECANCA consortium
Classification: Pathogenic for Carcinoma of pancreas. Last evaluated: 2021-03-04. Review status: no assertion criteria provided. Collection method: case-control. Allele origin: germline. Affected: yes. Observed: 1 variant allele. Not counted in ClinVar's aggregate classification.

Institute of Human Genetics, Medical University Innsbruck
Classification: Pathogenic for Breast-ovarian cancer, familial 2. Last evaluated: 2015-02-11. Review status: no assertion criteria provided. Criteria: clinical testing. Collection method: clinical testing. Allele origin: germline. Affected: yes. Study: BRCA-Tyrol. Not counted in ClinVar's aggregate classification.
Comment: BRCA-mutation spectrum Western Austria

Counsyl
Classification: Likely pathogenic for Breast-ovarian cancer, familial 2. Last evaluated: 2014-09-03. Review status: no assertion criteria provided. Collection method: literature only. Allele origin: unknown. Inheritance: Autosomal dominant inheritance. Not counted in ClinVar's aggregate classification.

Research Molecular Genetics Laboratory, Women's College Hospital, University of Toronto
Classification: Pathogenic for Hereditary breast ovarian cancer syndrome. Last evaluated: 2014-01-31. Review status: no assertion criteria provided. Collection method: research. Allele origin: germline. Affected: yes. Study: The Canadian Open Genetics Repository (COGR). Not counted in ClinVar's aggregate classification.

Sharing Clinical Reports Project (SCRP)
Classification: Likely pathogenic for Breast-ovarian cancer, familial 2. Last evaluated: 2011-04-18. Review status: no assertion criteria provided. Collection method: clinical testing. Allele origin: germline. Not counted in ClinVar's aggregate classification.

Breast Cancer Information Core (BIC) (BRCA2)
Classification: Pathogenic for Breast-ovarian cancer, familial 2. Last evaluated: 2004-02-20. Review status: no assertion criteria provided. Collection method: clinical testing. Allele origin: germline. Affected: yes. Observed: 6 variant alleles. Not counted in ClinVar's aggregate classification.

Department of Pathology and Laboratory Medicine, Sinai Health System
Classification: Pathogenic for Malignant tumor of breast. Review status: no assertion criteria provided. Collection method: clinical testing. Allele origin: unknown. Affected: yes. Study: The Canadian Open Genetics Repository (COGR). Not counted in ClinVar's aggregate classification.
Comment: The BRCA2 c.8755-1G>A variant was identified in the literature however the frequency of this variant in an affected population was not provided. The variant was also identified in dbSNP (ID: rs81002812) as With Likely pathogenic, Pathogenic allele, ClinVar (classified as pathogenic by Invitae, Ambry Genetics, BIC; classified as likely pathogenic by SCRP, Counsyl; classified as uncertain significance by ENIGMA ), Clinvitae (conflicting interpretations of pathogenicity), Genesight-COGR, LOVD 3.0 , UMD-LSDB (2X causal), BIC Database (6X clinically important), ARUP Laboratories (Definitely pathogenic), databases. The variant was not identified in Zhejiang Colon Cancer Database, databases. The variant was not identified in the 1000 Genomes Project, the NHLBI GO Exome Sequencing Project or the Exome Aggregation Consortium (August 8th 2016) control databases. The c.8755-1G>A variant is predicted to cause abnormal splicing because the nucleotide substitution occurs in the invariant region of the splice consensus sequence. In addition, 2 of 5 in silico or computational prediction software programs (SpliceSiteFinder, MaxEntScan, NNSPLICE, GeneSplicer, HumanSpliceFinder) predict a greater than 10% difference in splicing. Several functional studies using splicing assays demonstrated the variant result in aberrant transcripts and considered as deleterious mutations (Acedo 2015, Machackova 2008). mRNA Transcript Analysis in in vitro study by Colombo (2012) showed skipping of exon 22 in one case and skipping of exon 22+51 bp at the 59-end of exon 23 in another. In the same study, cDNA sequence analyses revealed maintenance of the constitutional heterozygosity for c.9876G>A synonymous change (exon 27), indicating expression of the normal mRNA from both the wild-type and mutated alleles. In summary, based on the above information, this variant meets our laboratoryâ€šÃ„Ã´s criteria to be classified as pathogenic.

Diagnostic Laboratory, Department of Genetics, University Medical Center Groningen
Classification: Pathogenic. Review status: no assertion criteria provided. Collection method: clinical testing. Allele origin: germline. Affected: yes. Study: VKGL Data-share Consensus. Not counted in ClinVar's aggregate classification.

Joint Genome Diagnostic Labs from Nijmegen and Maastricht, Radboudumc and MUMC+
Classification: Pathogenic. Review status: no assertion criteria provided. Collection method: clinical testing. Allele origin: germline. Affected: yes. Study: VKGL Data-share Consensus. Not counted in ClinVar's aggregate classification.

Literature cited by the submitters: PubMed 31131967 (cited by 3 submitters); PubMed 9971877 (cited by 4 submitters); PubMed 18489799 (cited by 6 submitters); PubMed 24156927 (cited by 7 submitters); PubMed 23451180 (cited by 8 submitters); PubMed 25382762 (cited by 5 submitters); PubMed 11802209 (cited by Color Diagnostics, LLC DBA Color Health); PubMed 29360161 (cited by 3 submitters); PubMed 29785153 (cited by 3 submitters); PubMed 32206145 (cited by 3 submitters); PubMed 32438681 (cited by Color Diagnostics, LLC DBA Color Health and Quest Diagnostics Nichols Institute San Juan Capistrano); PubMed 39779848 (cited by Color Diagnostics, LLC DBA Color Health); PubMed 39779857 (cited by Color Diagnostics, LLC DBA Color Health); PubMed 24312913 (cited by Quest Diagnostics Nichols Institute San Juan Capistrano and Counsyl); PubMed 35409996 (cited by Quest Diagnostics Nichols Institute San Juan Capistrano); PubMed 35264596 (cited by Quest Diagnostics Nichols Institute San Juan Capistrano); PubMed 36717774 (cited by Quest Diagnostics Nichols Institute San Juan Capistrano); PubMed 29446198 (cited by Quest Diagnostics Nichols Institute San Juan Capistrano and Mayo Clinic Laboratories, Mayo Clinic); PubMed 32885271 (cited by Quest Diagnostics Nichols Institute San Juan Capistrano).